The following is an entry in ClinVar:

NM_000088.4(COL1A1):c.1261C>T (p.Gln421Ter)

Gene: COL1A1 (collagen type I alpha 1 chain; minus strand). Cytogenetic location: 17q21.33.
Variant type: single nucleotide variant.
Coding change: c.1261C>T on transcript NM_000088.4 (MANE Select); coding-DNA position 1261, C replaced by T.
Protein change: p.Gln421Ter; replaces glutamine 421 with a stop codon.
Molecular consequence: nonsense.
Genome position (GRCh38, 1-based): chr17:50,195,270, G>A on the plus strand (C>T on the coding strand, the complement: COL1A1 is on the minus strand). VCF-style: chr17-50195270-G-A. GRCh37 (hg19) VCF-style: chr17-48272631-G-A.
Other names: short protein forms Q421*.
Identifiers: ClinVar variation 664315 (VCV000664315.7), dbSNP rs1598296825, ClinGen allele CA400218721.

ClinVar aggregate classification (germline): Pathogenic (1 of 4 stars; one submission).

Conditions:
Osteogenesis imperfecta type I (OI1). Also called: OI, TYPE I; OSTEOGENESIS IMPERFECTA TARDA; OSTEOGENESIS IMPERFECTA WITH BLUE SCLERAE; Osteogenesis imperfecta type 1; Lobstein disease; Classic Non-deforming Osteogenesis Imperfecta with Blue Sclerae. Identifiers: Orphanet 216796, Orphanet 666, MedGen C0023931, MONDO:0008146, OMIM 166200. Disease mechanism: loss of function.

Allele frequency attached by ClinVar (database versions not stated): gnomAD exomes below 0.00001.
gnomAD v4.1: 1 of 1,613,560 alleles (0.000062%); highest among the groups gnomAD compares: Non-Finnish European, 0.000085%; no homozygotes.

Submission:

Labcorp Genetics (formerly Invitae), Labcorp
Classification: Pathogenic for Osteogenesis imperfecta type I. Last evaluated: 2026-01-21. Review status: criteria provided, single submitter. Criteria: Invitae Variant Classification Sherloc (09022015). Collection method: clinical testing. Allele origin: germline.
Comment: This sequence change creates a premature translational stop signal (p.Gln421*) in the COL1A1 gene. It is expected to result in an absent or disrupted protein product. Loss-of-function variants in COL1A1 are known to be pathogenic (PMID: 7942841, 9295084, 9443882). This variant is not present in population databases (gnomAD no frequency). This premature translational stop signal has been observed in individual(s) with COL1A1-related conditions (Internal data). ClinVar contains an entry for this variant (Variation ID: 664315). For these reasons, this variant has been classified as Pathogenic.

Literature cited by the submitters: PubMed 7942841; PubMed 9295084; PubMed 9443882.